The following is an entry in ClinVar:

NM_025114.4(CEP290):c.2217+3G>C

Gene: CEP290 (centrosomal protein 290; minus strand). Cytogenetic location: 12q21.32.
Variant type: single nucleotide variant.
Coding change: c.2217+3G>C on transcript NM_025114.4 (MANE Select); 3 bases into the intron after coding-DNA position 2217, G replaced by C.
Molecular consequence: intron variant.
Genome position (GRCh38, 1-based): chr12:88,111,691, C>G on the plus strand (G>C on the coding strand, the complement: CEP290 is on the minus strand). VCF-style: chr12-88111691-C-G. GRCh37 (hg19) VCF-style: chr12-88505468-C-G.
Identifiers: ClinVar variation 1003982 (VCV001003982.3), dbSNP rs765291878, ClinGen allele CA6712384.

ClinVar aggregate classification (germline): Uncertain significance. Review status: criteria provided, single submitter (1 of 4 stars). 2 submissions from 2 submitters: Uncertain significance (1). 1 of the submissions does not count toward it. Last evaluated 2020-10-10.

Conditions:
Joubert syndrome. Also called: Familial aplasia of the vermis; CEREBELLOPARENCHYMAL DISORDER IV; JOUBERT-BOLTSHAUSER SYNDROME. Identifiers: Orphanet 475, MedGen C5979921, MONDO:0018772.
Meckel-Gruber syndrome. Also called: Dysencephalia splachnocystica; DYSENCEPHALIA SPLANCHNOCYSTICA; GRUBER SYNDROME. Identifiers: Orphanet 564, MedGen C0265215, MONDO:0018921.
Nephronophthisis. Also called: Juvenile Nephronophthisis. Identifiers: Orphanet 655, MedGen C0687120, MONDO:0019005, HP:0000090.
Leber congenital amaurosis (LCA). Also called: Leber's amaurosis. Identifiers: Orphanet 65, MedGen C0339527, MeSH D057130, MONDO:0018998.

Allele frequency attached by ClinVar (database versions not stated): TOPMed 0.00002.
gnomAD v4.1: 9 of 1,558,120 alleles (0.00058%); highest among the groups gnomAD compares: Non-Finnish European, 0.00069%; no homozygotes.

Submissions (2):

Labcorp Genetics (formerly Invitae), Labcorp
Classification: Uncertain significance for Joubert syndrome; Meckel-Gruber syndrome; Nephronophthisis. Last evaluated: 2020-10-10. Review status: criteria provided, single submitter. Criteria: Invitae Variant Classification Sherloc (09022015). Collection method: clinical testing. Allele origin: germline.
Comment: This sequence change falls in intron 21 of the CEP290 gene. It does not directly change the encoded amino acid sequence of the CEP290 protein, but it affects a nucleotide within the consensus splice site of the intron. This variant is present in population databases (rs765291878, ExAC 0.002%). This variant has not been reported in the literature in individuals with CEP290-related conditions. Nucleotide substitutions within the consensus splice site are a relatively common cause of aberrant splicing (PMID: 17576681, 9536098). Algorithms developed to predict the effect of sequence changes on RNA splicing suggest that this variant may disrupt the consensus splice site, but this prediction has not been confirmed by published transcriptional studies. In summary, the available evidence is currently insufficient to determine the role of this variant in disease. Therefore, it has been classified as a Variant of Uncertain Significance.

Natera, Inc.
Classification: Uncertain significance for Leber congenital amaurosis. Last evaluated: 2020-04-20. Review status: no assertion criteria provided. Collection method: clinical testing. Allele origin: germline. Not counted in ClinVar's aggregate classification.

Literature cited by the submitters: PubMed 17576681 (cited by Labcorp Genetics (formerly Invitae), Labcorp); PubMed 9536098 (cited by Labcorp Genetics (formerly Invitae), Labcorp).